The following is an entry in ClinVar:

NM_001267550.2(TTN):c.55341G>A (p.Pro18447=)

Genes: TTN (titin; minus strand), TTN-AS1 (TTN antisense RNA 1; plus strand). Cytogenetic location: 2q31.2.
Variant type: single nucleotide variant.
Coding change: c.55341G>A on transcript NM_001267550.2 (MANE Select); coding-DNA position 55341, G replaced by A.
Protein change: p.Pro18447=; no amino-acid change (proline 18447 retained).
Molecular consequence: synonymous variant.
Genome position (GRCh38, 1-based): chr2:178,601,749, C>T on the plus strand (G>A on the coding strand, the complement: TTN is on the minus strand). VCF-style: chr2-178601749-C-T. GRCh37 (hg19) VCF-style: chr2-179466476-C-T.
Other names: c.50418G>A, p.Pro16806= (NM_001256850.1); c.28146G>A, p.Pro9382= (NM_003319.4); c.47637G>A, p.Pro15879= (NM_133378.4); c.28521G>A, p.Pro9507= (NM_133432.3); c.28722G>A, p.Pro9574= (NM_133437.4).
Identifiers: ClinVar variation 1163431 (VCV001163431.31), dbSNP rs779464399, ClinGen allele CA1993471.

ClinVar aggregate classification (germline): Conflicting classifications of pathogenicity. Review status: criteria provided, conflicting classifications (1 of 4 stars). 3 submissions from 3 submitters: Uncertain significance (1); Likely benign (2). Last evaluated 2023-02-01.

Conditions:
Cardiovascular phenotype. Identifiers: MedGen CN230736.

Allele frequency attached by ClinVar (database versions not stated): gnomAD exomes below 0.00001 and 0.00001; ExAC 0.00001; gnomAD 0.00001; TOPMed 0.00003.
gnomAD v4.1: 11 of 1,608,258 alleles (0.00068%); highest among the groups gnomAD compares: African/African-American, 0.0027%; no homozygotes.

Submissions (3):

CeGaT Center for Human Genetics Tuebingen
Classification: Likely benign. Last evaluated: 2023-02-01. Review status: criteria provided, single submitter. Criteria: CeGaT Center For Human Genetics Tuebingen Variant Classification Criteria Version 2. Collection method: clinical testing. Allele origin: germline. Affected: yes. Observed: 1 variant allele.
Comment: TTN: BP4, BP7

Ambry Genetics
Classification: Likely benign for Cardiovascular phenotype. Last evaluated: 2019-06-06. Review status: criteria provided, single submitter. Criteria: Ambry Variant Classification Scheme 2023. Collection method: clinical testing. Allele origin: germline.

Mayo Clinic Laboratories, Mayo Clinic
Classification: Uncertain significance. Last evaluated: 2019-04-15. Review status: criteria provided, single submitter. Criteria: ACMG Guidelines, 2015. Collection method: clinical testing. Allele origin: germline. Observed: 1 variant allele.